The following is an entry in ClinVar:

ClinVar aggregate classification (germline): Pathogenic (1 of 4 stars; one submission).

Submission:

GeneDx
Classification: Pathogenic. Last evaluated: 2022-03-22. Review status: criteria provided, single submitter. Criteria: GeneDx Variant Classification Process June 2021. Collection method: clinical testing. Allele origin: germline. Affected: yes.
Comment: Not observed at significant frequency in large population cohorts (gnomAD); In silico analysis supports that this missense variant has a deleterious effect on protein structure/function; This variant is associated with the following publications: (PMID: 22539353, 16400610, 18445044, 26538304)

NM_017780.4(CHD7):c.3641A>G (p.Gln1214Arg)

Gene: CHD7 (chromodomain helicase DNA binding protein 7; plus strand). Cytogenetic location: 8q12.2.
Variant type: single nucleotide variant.
Coding change: c.3641A>G on transcript NM_017780.4 (MANE Select); coding-DNA position 3641, A replaced by G.
Protein change: p.Gln1214Arg; replaces glutamine 1214 with arginine.
Molecular consequence: missense variant. On other transcripts: intron variant (1).
Genome position (GRCh38, 1-based): chr8:60,830,440, A>G. VCF-style: chr8-60830440-A-G. GRCh37 (hg19) VCF-style: chr8-61742999-A-G.
Other names: c.1717-31789A>G (NM_001316690.1); short protein forms Q1214R.
Identifiers: ClinVar variation 1708814 (VCV001708814.2), dbSNP rs1804454889, ClinGen allele CA371315420.